The following is an entry in ClinVar:

ClinVar aggregate classification (germline): Uncertain significance (1 of 4 stars; one submission).

Conditions:
Charcot-Marie-Tooth disease axonal type 2O. Also called: CHARCOT-MARIE-TOOTH NEUROPATHY, AXONAL, TYPE 2O; CHARCOT-MARIE-TOOTH DISEASE, AXONAL, AUTOSOMAL DOMINANT, TYPE 2O; Charcot-Marie-Tooth disease, axonal, type 20; Charcot-Marie-Tooth Neuropathy Type 2O. Identifiers: Orphanet 284232, MedGen C3280220, MONDO:0013644, OMIM 614228.

Submission:

Labcorp Genetics (formerly Invitae), Labcorp
Classification: Uncertain significance for Charcot-Marie-Tooth disease axonal type 2O. Last evaluated: 2022-10-14. Review status: criteria provided, single submitter. Criteria: Invitae Variant Classification Sherloc (09022015). Collection method: clinical testing. Allele origin: germline.
Comment: This sequence change replaces arginine, which is basic and polar, with proline, which is neutral and non-polar, at codon 3611 of the DYNC1H1 protein (p.Arg3611Pro). In summary, the available evidence is currently insufficient to determine the role of this variant in disease. Therefore, it has been classified as a Variant of Uncertain Significance. Algorithms developed to predict the effect of missense changes on protein structure and function (SIFT, PolyPhen-2, Align-GVGD) all suggest that this variant is likely to be disruptive. This variant has not been reported in the literature in individuals affected with DYNC1H1-related conditions. This variant is not present in population databases (gnomAD no frequency).

NM_001376.5(DYNC1H1):c.10832G>C (p.Arg3611Pro)

Gene: DYNC1H1 (dynein cytoplasmic 1 heavy chain 1; plus strand). Cytogenetic location: 14q32.31.
Variant type: single nucleotide variant.
Coding change: c.10832G>C on transcript NM_001376.5 (MANE Select); coding-DNA position 10832, G replaced by C.
Protein change: p.Arg3611Pro; replaces arginine 3611 with proline.
Molecular consequence: missense variant.
Genome position (GRCh38, 1-based): chr14:102,036,566, G>C. VCF-style: chr14-102036566-G-C. GRCh37 (hg19) VCF-style: chr14-102502903-G-C.
Other names: short protein forms R3611P.
Identifiers: ClinVar variation 1721593 (VCV001721593.5), dbSNP rs760957660, ClinGen allele CA391029832.